The following is an entry in ClinVar:

NM_001378609.3(OTOGL):c.4081+10C>G

Gene: OTOGL (otogelin like; plus strand). Cytogenetic location: 12q21.31.
Variant type: single nucleotide variant.
Coding change: c.4081+10C>G on transcript NM_001378609.3 (MANE Select); 10 bases into the intron after coding-DNA position 4081, C replaced by G.
Molecular consequence: intron variant.
Genome position (GRCh38, 1-based): chr12:80,320,710, C>G. VCF-style: chr12-80320710-C-G. GRCh37 (hg19) VCF-style: chr12-80714490-C-G.
Other names: c.3946+10C>G (NM_001368062.3); c.4081+10C>G (NM_001378610.3, NM_173591.7).
Identifiers: ClinVar variation 4979475 (VCV004979475.1).

ClinVar aggregate classification (germline): Likely benign (1 of 4 stars; one submission).

Conditions:
OTOGL-related disorder. Also called: OTOGL-related condition.

gnomAD v4.1: 32 of 1,571,854 alleles (0.002%); highest among the groups gnomAD compares: African/African-American, 0.038%; no homozygotes.

Submission:

PreventionGenetics, part of Exact Sciences
Classification: Likely benign for OTOGL-related condition. Last evaluated: 2026-08-12. Review status: criteria provided, single submitter. Criteria: ACMG Guidelines, 2015. Collection method: clinical testing. Allele origin: germline.
Comment: This variant is classified as likely benign based on ACMG/AMP sequence variant interpretation guidelines (Richards et al. 2015 PMID: 25741868, with internal and published modifications).